The following is an entry in ClinVar:

Single allele

Gene: STIP1 (stress induced phosphoprotein 1; plus strand). Cytogenetic location: 11q13.1.
Variant type: Deletion.
Identifiers: ClinVar variation 4070909 (VCV004070909.1).

ClinVar aggregate classification (germline): Uncertain significance (1 of 4 stars; one submission).

Conditions:
Neuromuscular disease. Also called: Neuromuscular disorder; Neuromyopathy. Identifiers: Orphanet 68381, MedGen C0027868, MeSH D009468, MONDO:0019056.

Submission:

Broad Center for Mendelian Genomics, Broad Institute of MIT and Harvard
Classification: Uncertain significance for Neuromuscular disease. Last evaluated: 2025-06-23. Review status: criteria provided, single submitter. Criteria: ACMG/ClinGen CNV Guidelines, 2019. Collection method: research. Allele origin: unknown. Inheritance: Autosomal dominant inheritance. Affected: yes. Study: GREGoR Consortium.
Comment: While this gene is still lacking sufficient evidence to establish haploinsufficiency, we believe this is a possible candidate for neuromuscular disease. Given the limited information about this gene, the significance of the deletion variant is uncertain. If you have any additional information about functional evidence or other individuals with neuromuscular disease that also have similar deletions we encourage you to reach out to us.